The following is an entry in ClinVar:

NM_001267550.2(TTN):c.53488G>T (p.Gly17830Ter)

Genes: TTN (titin; minus strand), TTN-AS1 (TTN antisense RNA 1; plus strand). Cytogenetic location: 2q31.2.
Variant type: single nucleotide variant.
Coding change: c.53488G>T on transcript NM_001267550.2 (MANE Select); coding-DNA position 53488, G replaced by T.
Protein change: p.Gly17830Ter; replaces glycine 17830 with a stop codon.
Molecular consequence: nonsense.
Genome position (GRCh38, 1-based): chr2:178,607,114, C>A on the plus strand (G>T on the coding strand, the complement: TTN is on the minus strand). VCF-style: chr2-178607114-C-A. GRCh37 (hg19) VCF-style: chr2-179471841-C-A.
Other names: c.48565G>T, p.Gly16189Ter (NM_001256850.1); c.26293G>T, p.Gly8765Ter (NM_003319.4); c.45784G>T, p.Gly15262Ter (NM_133378.4); c.26668G>T, p.Gly8890Ter (NM_133432.3); c.26869G>T, p.Gly8957Ter (NM_133437.4); c.53488G>T (LRG_391t1); short protein forms G17830*, G8890*, G15262*, G8957*, G16189*, G8765*.
Identifiers: ClinVar variation 223311 (VCV000223311.1), dbSNP rs759231562, ClinGen allele CA123879.

ClinVar aggregate classification (germline): Likely pathogenic (1 of 4 stars; one submission).

Conditions:
Primary dilated cardiomyopathy (DCM). Also called: Dilated Cardiomyopathy. Identifiers: Orphanet 217604, MedGen C0007193, MeSH D002311, MONDO:0005021, HP:0001644. Inheritance: Various modes of inheritance.

Submission:

Cardiovascular Biomedical Research Unit, Royal Brompton & Harefield NHS Foundation Trust
Classification: Likely pathogenic for Primary dilated cardiomyopathy. Last evaluated: 2014-10-08. Review status: criteria provided, single submitter. Criteria: Roberts et al. 2015. Collection method: research. Allele origin: germline. Inheritance: Autosomal dominant inheritance. Affected: yes. Observed: 1 variant allele. Study: Endstage DCM.
Comment: In the seven cohorts assessed, TTNtv were found in 14% of ambulant DCM, 22% end-stage or familial DCM, and 2% controls. Heterozygous nonsense, frameshift and canonical splice-disrupting variants found in constitutive and other highly utilised exons are highly likely to be pathogenic when identified in individuals with phenotypically confirmed DCM. TTNtv found incidentally in healthy individuals (excluding familial assessment of DCM relatives) are thought to have low penetrance, particularly when identified in exons that are not constitutively expressed in the heart.